The following is an entry in ClinVar:

NM_032242.4(PLXNA1):c.1678del (p.Leu560fs)

Gene: PLXNA1 (plexin A1; plus strand). Cytogenetic location: 3q21.3.
Variant type: Deletion.
Coding change: c.1678del on transcript NM_032242.4 (MANE Select); coding-DNA position 1678, one base deleted (C; older notation c.1678delC).
Protein change: p.Leu560fs; shifts the reading frame from leucine 560.
Molecular consequence: frameshift variant.
Genome position (GRCh38, 1-based): chr3:127,004,943, C deleted; the last of 2 consecutive C bases (chr3:127,004,942-127,004,943); deleting either gives the same sequence. VCF-style (leftmost placement, unchanged base first): chr3-127004941-AC-A. GRCh37 (hg19) VCF-style: chr3-126723784-AC-A.
Other names: short protein forms L560fs.
Identifiers: ClinVar variation 4978103 (VCV004978103.1).

ClinVar aggregate classification (germline): Uncertain significance (1 of 4 stars; one submission).

Conditions:
PLXNA1-related disorder. Also called: PLXNA1-related condition.

Submission:

PreventionGenetics, part of Exact Sciences
Classification: Uncertain significance for PLXNA1-related condition. Last evaluated: 2025-04-11. Review status: criteria provided, single submitter. Criteria: ACMG Guidelines, 2015. Collection method: clinical testing. Allele origin: germline.
Comment: The PLXNA1 c.1678delC variant is predicted to result in a frameshift and premature protein termination (p.Leu560Cysfs*7). To our knowledge, this variant has not been reported in the literature or in a large population database (gnomAD), indicating this variant is rare. Loss of function is not a well established mechanism of PLXNA1-related disease. Although we suspect that this variant may be pathogenic, at this time, the clinical significance of this variant is uncertain due to the absence of conclusive functional and genetic evidence.